The following is an entry in ClinVar:

ClinVar aggregate classification (germline): Likely benign (1 of 4 stars; one submission).

Conditions:
Pheochromocytoma/paraganglioma syndrome 3. Also called: GLOMUS TUMORS, FAMILIAL, 3; Paragangliomas 3; SDHC-Related Hereditary Paraganglioma-Pheochromocytoma Syndrome (Paragangliomas 3); SDHC-Related Hereditary Paraganglioma-Pheochromocytoma Syndrome. Identifiers: Orphanet 29072, MedGen C1854336, MONDO:0011544, OMIM 605373.

gnomAD v4.1: 3 of 1,608,534 alleles (0.00019%); highest among the groups gnomAD compares: Non-Finnish European, 0.00026%; no homozygotes.

Submission:

Myriad Genetics, Inc.
Classification: Likely benign for Pheochromocytoma/paraganglioma syndrome 3. Last evaluated: 2025-03-14. Review status: criteria provided, single submitter. Criteria: Myriad Autosomal Dominant, Autosomal Recessive and X-Linked Classification Criteria (2023). Collection method: clinical testing. Allele origin: unknown.
Comment: This variant is considered likely benign. This variant is intronic and is not expected to impact mRNA splicing.

NM_003001.5(SDHC):c.21-18G>T

Gene: SDHC (succinate dehydrogenase complex subunit C; plus strand). Cytogenetic location: 1q23.3.
Variant type: single nucleotide variant.
Coding change: c.21-18G>T on transcript NM_003001.5 (MANE Select); 18 bases into the intron before coding-DNA position 21, G replaced by T.
Molecular consequence: intron variant.
Genome position (GRCh38, 1-based): chr1:161,323,596, G>T. VCF-style: chr1-161323596-G-T. GRCh37 (hg19) VCF-style: chr1-161293386-G-T.
Other names: c.-91-18G>T (NM_001407119.1); c.-209-18G>T (NM_001407120.1); c.21-18G>T (NM_001407115.1, NM_001035511.3, NM_001035512.3 and 2 more transcripts); c.21-4800G>T (NM_001407116.1, NM_001407121.1, NM_001407117.1); c.20+9171G>T (NM_001035513.3).
Identifiers: ClinVar variation 3904394 (VCV003904394.1).